The following is an entry in ClinVar:

ClinVar aggregate classification (germline): Uncertain significance (1 of 4 stars; one submission).

Allele frequency attached by ClinVar (database versions not stated): gnomAD exomes 0.00001 and below 0.00001; ExAC 0.00001.

Submission:

Biesecker Lab/Clinical Genomics Section, National Institutes of Health
Classification: Uncertain significance. Last evaluated: 2013-06-24. Review status: criteria provided, single submitter. Criteria: Ng et al. (Circ Cardiovasc Genet. 2013). Collection method: research. Allele origin: unknown. Observed: 1 variant allele. Study: ClinSeq.
Comment: The study set was not selected for affection status in relation to any cancer. Pathogenicity categories were based on literature curation. See Pubmed ID:23861362 for details.

Medical sequencing

NM_001386795.1(DTNA):c.112G>A (p.Ala38Thr)

Genes: DTNA (dystrobrevin alpha; plus strand), DTNA-AS1 (DTNA antisense RNA 1; minus strand). Cytogenetic location: 18q12.1.
Variant type: single nucleotide variant.
Coding change: c.112G>A on transcript NM_001386795.1 (MANE Select); coding-DNA position 112, G replaced by A.
Protein change: p.Ala38Thr; replaces alanine 38 with threonine.
Molecular consequence: missense variant.
Genome position (GRCh38, 1-based): chr18:34,766,005, G>A. VCF-style: chr18-34766005-G-A. GRCh37 (hg19) VCF-style: chr18-32345969-G-A.
Other names: c.112G>A, p.Ala38Thr (NM_001128175.2, NM_001198938.2, NM_001198939.2 and 35 more transcripts); short protein forms A38T.
Identifiers: ClinVar variation 191647 (VCV000191647.1), dbSNP rs200256996, ClinGen allele CA237141.